The following is an entry in ClinVar:

ClinVar aggregate classification (germline): Uncertain significance (1 of 4 stars; one submission).

Conditions:
Saldino-Mainzer syndrome (SRTD9). Also called: Renal dysplasia, retinal pigmentary dystrophy, cerebellar ataxia and skeletal dysplasia; CONORENAL SYNDROME; SHORT-RIB THORACIC DYSPLASIA 9 WITHOUT POLYDACTYLY; short-rib thoracic dysplasia 9 with or without polydactyly. Identifiers: Orphanet 140969, MedGen C1849437, MONDO:0009964, OMIM 266920.

Allele frequency attached by ClinVar (database versions not stated): gnomAD 0.00001; TOPMed 0.00002; ESP Exome Variant Server 0.00008.

Submission:

Labcorp Genetics (formerly Invitae), Labcorp
Classification: Uncertain significance for Saldino-Mainzer syndrome. Last evaluated: 2021-09-14. Review status: criteria provided, single submitter. Criteria: Invitae Variant Classification Sherloc (09022015). Collection method: clinical testing. Allele origin: germline.
Comment: This variant is not present in population databases (ExAC no frequency). Algorithms developed to predict the effect of missense changes on protein structure and function (SIFT, PolyPhen-2, Align-GVGD) all suggest that this variant is likely to be tolerated. This variant has not been reported in the literature in individuals affected with IFT140-related conditions. This sequence change replaces leucine with serine at codon 693 of the IFT140 protein (p.Leu693Ser). The leucine residue is weakly conserved and there is a large physicochemical difference between leucine and serine. In summary, the available evidence is currently insufficient to determine the role of this variant in disease. Therefore, it has been classified as a Variant of Uncertain Significance.

NM_014714.4(IFT140):c.2078T>C (p.Leu693Ser)

Gene: IFT140 (intraflagellar transport 140; minus strand). Cytogenetic location: 16p13.3.
Variant type: single nucleotide variant.
Coding change: c.2078T>C on transcript NM_014714.4 (MANE Select); coding-DNA position 2078, T replaced by C.
Protein change: p.Leu693Ser; replaces leucine 693 with serine.
Molecular consequence: missense variant.
Genome position (GRCh38, 1-based): chr16:1,562,106, A>G on the plus strand (T>C on the coding strand, the complement: IFT140 is on the minus strand). VCF-style: chr16-1562106-A-G. GRCh37 (hg19) VCF-style: chr16-1612107-A-G.
Other names: short protein forms L693S.
Identifiers: ClinVar variation 1428712 (VCV001428712.6), dbSNP rs370031319, ClinGen allele CA276657086.